The following is an entry in ClinVar:

ClinVar aggregate classification (germline): Likely benign (1 of 4 stars; one submission).

Conditions:
CEP290-related disorder. Also called: CEP290-related disorders; CEP290-related condition. Identifiers: MedGen CN239314.

gnomAD v4.1: 3 of 1,608,170 alleles (0.00019%); highest among the groups gnomAD compares: African/African-American, 0.0027%; no homozygotes.

Submission:

PreventionGenetics, part of Exact Sciences
Classification: Likely benign for CEP290-related condition. Last evaluated: 2025-02-21. Review status: criteria provided, single submitter. Criteria: ACMG Guidelines, 2015. Collection method: clinical testing. Allele origin: germline.
Comment: This variant is classified as likely benign based on ACMG/AMP sequence variant interpretation guidelines (Richards et al. 2015 PMID: 25741868, with internal and published modifications).

NM_025114.4(CEP290):c.2682A>G (p.Lys894=)

Gene: CEP290 (centrosomal protein 290; minus strand). Cytogenetic location: 12q21.32.
Variant type: single nucleotide variant.
Coding change: c.2682A>G on transcript NM_025114.4 (MANE Select); coding-DNA position 2682, A replaced by G.
Protein change: p.Lys894=; no amino-acid change (lysine 894 retained).
Molecular consequence: synonymous variant.
Genome position (GRCh38, 1-based): chr12:88,106,810, T>C on the plus strand (A>G on the coding strand, the complement: CEP290 is on the minus strand). VCF-style: chr12-88106810-T-C. GRCh37 (hg19) VCF-style: chr12-88500587-T-C.
Identifiers: ClinVar variation 5000056 (VCV005000056.1).